The following is an entry in ClinVar:

NM_014846.4(WASHC5):c.3423+289G>A

Gene: WASHC5 (WASH complex subunit 5; minus strand). Cytogenetic location: 8q24.13.
Variant type: single nucleotide variant.
Coding change: c.3423+289G>A on transcript NM_014846.4 (MANE Select); 289 bases into the intron after coding-DNA position 3423, G replaced by A.
Molecular consequence: intron variant.
Genome position (GRCh38, 1-based): chr8:125,028,331, C>T on the plus strand (G>A on the coding strand, the complement: WASHC5 is on the minus strand). VCF-style: chr8-125028331-C-T. GRCh37 (hg19) VCF-style: chr8-126040573-C-T.
Other names: c.2979+289G>A (NM_001330609.2).
Identifiers: ClinVar variation 683815 (VCV000683815.1), dbSNP rs7007960, ClinGen allele CA15559994.

ClinVar aggregate classification (germline): Benign (1 of 4 stars; one submission).

Allele frequency attached by ClinVar (database versions not stated): gnomAD 0.38091 and 0.38246; TOPMed 0.40191; 1000 Genomes Project 0.46086; 1000 Genomes Project 30x 0.46455.
gnomAD v4.1: 57,862 of 152,046 alleles (38%); highest among the groups gnomAD compares: African/African-American, 61%; 12,942 homozygotes.

Submission:

GeneDx
Classification: Benign. Last evaluated: 2018-06-16. Review status: criteria provided, single submitter. Criteria: GeneDx Variant Classification (06012015). Collection method: clinical testing. Allele origin: germline. Affected: yes.
Comment: This variant is considered likely benign or benign based on one or more of the following criteria: it is a conservative change, it occurs at a poorly conserved position in the protein, it is predicted to be benign by multiple in silico algorithms, and/or has population frequency not consistent with disease.